The following is an entry in ClinVar:

NM_001377295.2(GNAT2):c.781G>A (p.Ala261Thr)

Gene: GNAT2 (G protein subunit alpha transducin 2; minus strand). Cytogenetic location: 1p13.3.
Variant type: single nucleotide variant.
Coding change: c.781G>A on transcript NM_001377295.2 (MANE Select); coding-DNA position 781, G replaced by A.
Protein change: p.Ala261Thr; replaces alanine 261 with threonine.
Molecular consequence: missense variant.
Genome position (GRCh38, 1-based): chr1:109,604,044, C>T on the plus strand (G>A on the coding strand, the complement: GNAT2 is on the minus strand). VCF-style: chr1-109604044-C-T. GRCh37 (hg19) VCF-style: chr1-110146666-C-T.
Other names: c.781G>A, p.Ala261Thr (NM_001379232.1, NM_005272.5); short protein forms A261T.
Identifiers: ClinVar variation 1380577 (VCV001380577.6), dbSNP rs2101121948, ClinGen allele CA341534149.

ClinVar aggregate classification (germline): Uncertain significance (1 of 4 stars; one submission).

Allele frequency attached by ClinVar (database versions not stated): gnomAD exomes below 0.00001.

Submission:

Labcorp Genetics (formerly Invitae), Labcorp
Classification: Uncertain significance. Last evaluated: 2021-09-10. Review status: criteria provided, single submitter. Criteria: Invitae Variant Classification Sherloc (09022015). Collection method: clinical testing. Allele origin: germline.
Comment: Advanced modeling of protein sequence and biophysical properties (such as structural, functional, and spatial information, amino acid conservation, physicochemical variation, residue mobility, and thermodynamic stability) performed at Invitae indicates that this missense variant is not expected to disrupt GNAT2 protein function. In summary, the available evidence is currently insufficient to determine the role of this variant in disease. Therefore, it has been classified as a Variant of Uncertain Significance. This variant has not been reported in the literature in individuals affected with GNAT2-related conditions. This variant is not present in population databases (ExAC no frequency). This sequence change replaces alanine with threonine at codon 261 of the GNAT2 protein (p.Ala261Thr). The alanine residue is moderately conserved and there is a small physicochemical difference between alanine and threonine.